The following is an entry in ClinVar:

ClinVar aggregate classification (germline): Uncertain significance. Review status: criteria provided, multiple submitters, no conflicts (2 of 4 stars). 4 submissions from 4 submitters: Uncertain significance (4). Last evaluated 2025-11-13.

Conditions:
Inborn genetic diseases. Identifiers: MedGen C0950123, MeSH D030342.

Allele frequency attached by ClinVar (database versions not stated): ExAC 0.00005; TOPMed 0.00006; gnomAD exomes 0.00007; gnomAD 0.00012 and 0.00013; 1000 Genomes Project 30x 0.00016; 1000 Genomes Project 0.00020.
gnomAD v4.1: 407 of 1,614,120 alleles (0.025%); highest among the groups gnomAD compares: Non-Finnish European, 0.033%; 1 homozygote.

Submissions (4):

Labcorp Genetics (formerly Invitae), Labcorp
Classification: Uncertain significance. Last evaluated: 2025-11-13. Review status: criteria provided, single submitter. Criteria: Invitae Variant Classification Sherloc (09022015). Collection method: clinical testing. Allele origin: germline.
Comment: This sequence change replaces glutamine, which is neutral and polar, with glutamic acid, which is acidic and polar, at codon 1425 of the DUOX2 protein (p.Gln1425Glu). This variant is present in population databases (rs202111673, gnomAD 0.01%). This variant has not been reported in the literature in individuals affected with DUOX2-related conditions. ClinVar contains an entry for this variant (Variation ID: 1367268). An algorithm developed to predict the effect of missense changes on protein structure and function (PolyPhen-2) suggests that this variant is likely to be disruptive. In summary, the available evidence is currently insufficient to determine the role of this variant in disease. Therefore, it has been classified as a Variant of Uncertain Significance.

GeneDx
Classification: Uncertain significance. Last evaluated: 2024-12-06. Review status: criteria provided, single submitter. Criteria: GeneDx Variant Classification Process June 2021. Collection method: clinical testing. Allele origin: germline. Affected: yes.
Comment: Has not been previously published as pathogenic or benign to our knowledge; In silico analysis indicates that this missense variant does not alter protein structure/function

CeGaT Center for Human Genetics Tuebingen
Classification: Uncertain significance. Last evaluated: 2024-04-01. Review status: criteria provided, single submitter. Criteria: CeGaT Center For Human Genetics Tuebingen Variant Classification Criteria Version 2. Collection method: clinical testing. Allele origin: germline. Affected: yes. Observed: 1 variant allele.

Ambry Genetics
Classification: Uncertain significance for Inborn genetic diseases. Last evaluated: 2020-11-13. Review status: criteria provided, single submitter. Criteria: Ambry Variant Classification Scheme 2023. Collection method: clinical testing. Allele origin: germline.
Comment: The c.4273C>G (p.Q1425E) alteration is located in exon 32 (coding exon 31) of the DUOX2 gene. This alteration results from a C to G substitution at nucleotide position 4273, causing the glutamine (Q) at amino acid position 1425 to be replaced by a glutamic acid (E). Based on data from the Genome Aggregation Database (gnomAD) database, the DUOX2 c.4273C>G alteration was observed in 0.01% (22/282794) of total alleles studied, with a frequency of 0.01% (19/129164) in the European (non-Finnish) subpopulation. This amino acid position is highly conserved in available vertebrate species. The in silico prediction for the p.Q1425E alteration is inconclusive. Based on insufficient or conflicting evidence, the clinical significance of this alteration remains unclear.

NM_001363711.2(DUOX2):c.4273C>G (p.Gln1425Glu)

Gene: DUOX2 (dual oxidase 2; minus strand). Cytogenetic location: 15q21.1.
Variant type: single nucleotide variant.
Coding change: c.4273C>G on transcript NM_001363711.2 (MANE Select); coding-DNA position 4273, C replaced by G.
Protein change: p.Gln1425Glu; replaces glutamine 1425 with glutamic acid.
Molecular consequence: missense variant.
Genome position (GRCh38, 1-based): chr15:45,095,058, G>C on the plus strand (C>G on the coding strand, the complement: DUOX2 is on the minus strand). VCF-style: chr15-45095058-G-C. GRCh37 (hg19) VCF-style: chr15-45387256-G-C.
Other names: c.4273C>G (NM_014080.4); c.4273C>G, p.Gln1425Glu (NM_014080.5); short protein forms Q1425E.
Identifiers: ClinVar variation 1367268 (VCV001367268.27), dbSNP rs202111673, ClinGen allele CA7537567.
Genomic context (GRCh38, chr15:45,095,058, plus strand): 5'-CCAGGTCCTGGTGGTCGTTCTCCTCCACCTCTTGGATGATGTCAGCCAGCCACTCAAACT[G>C]ACGCTGGGTCCGTGTCACCCAGATGAAGTAGATCTGGGGACACAGGGCTGGAGATCAGGA-3'
Protein context (NP_001350640.1, residues 1415-1435): YFIWVTRTQR[Gln1425Glu]FEWLADIIQE